The following is an entry in ClinVar:

NM_152703.5(SAMD9L):c.3782A>T (p.Gln1261Leu)

Gene: SAMD9L (sterile alpha motif domain containing 9 like; minus strand). Cytogenetic location: 7q21.2.
Variant type: single nucleotide variant.
Coding change: c.3782A>T on transcript NM_152703.5 (MANE Select); coding-DNA position 3782, A replaced by T.
Protein change: p.Gln1261Leu; replaces glutamine 1261 with leucine.
Molecular consequence: missense variant.
Genome position (GRCh38, 1-based): chr7:93,132,190, T>A on the plus strand (A>T on the coding strand, the complement: SAMD9L is on the minus strand). VCF-style: chr7-93132190-T-A. GRCh37 (hg19) VCF-style: chr7-92761503-T-A.
Other names: c.3782A>T, p.Gln1261Leu (NM_001303496.3, NM_001303497.3, NM_001303498.3 and 5 more transcripts); short protein forms Q1261L.
Identifiers: ClinVar variation 4159289 (VCV004159289.1).
Genomic context (GRCh38, chr7:93,132,190, plus strand): 5'-CTCATTTTCAGAAGAACCATATAATCAATAAAAAAGTCAAAGCACCTTTTCAGATCTGAT[T>A]GTAAATTTTTTAGGTGGGATGTGAACTTGCTAAGAGCCAAATAACATTCATTTCTGGGAT-3'
Protein context (NP_689916.2, residues 1251-1271): SKFTSHLKNL[Gln1261Leu]SDLKRCFDFF

ClinVar aggregate classification (germline): Uncertain significance (1 of 4 stars; one submission).

Conditions:
Inborn genetic diseases. Identifiers: MedGen C0950123, MeSH D030342.

gnomAD v4.1: 1 of 1,613,592 alleles (0.000062%); highest among the groups gnomAD compares: Non-Finnish European, 0.000085%; no homozygotes.

Submission:

Ambry Genetics
Classification: Uncertain significance for Inborn genetic diseases. Last evaluated: 2025-07-01. Review status: criteria provided, single submitter. Criteria: Ambry Variant Classification Scheme 2023. Collection method: clinical testing. Allele origin: germline.
Comment: The p.Q1261L variant (also known as c.3782A>T), located in coding exon 1 of the SAMD9L gene, results from an A to T substitution at nucleotide position 3782. The glutamine at codon 1261 is replaced by leucine, an amino acid with dissimilar properties. This amino acid position is conserved. In addition, this alteration is predicted to be tolerated by in silico analysis. Based on the available evidence, the clinical significance of this variant remains unclear.